The following is an entry in ClinVar:

ClinVar aggregate classification (germline): Pathogenic (1 of 4 stars; one submission).

Conditions:
Brain malformations with or without urinary tract defects. Also called: Brain malformations and urinary tract defects. Identifiers: MedGen C4478940, MONDO:0100478, OMIM 613735.

Submission:

Victorian Clinical Genetics Services, Murdoch Childrens Research Institute
Classification: Pathogenic for Brain malformations with or without urinary tract defects. Last evaluated: 2022-09-02. Review status: criteria provided, single submitter. Criteria: ACMG Guidelines, 2015. Collection method: clinical testing. Allele origin: germline. Inheritance: Autosomal dominant inheritance. Affected: yes.
Comment: Based on the classification scheme VCGS_Germline_v1.3.4, this variant is classified as Pathogenic. Following criteria are met: 0102 - Loss of function is a known mechanism of disease in this gene and is associated with Brain malformations with or without urinary tract defects (MIM#613735; PMID 31730271). (I) 0107 - This gene is associated with autosomal dominant disease. (I) 0201 - Variant is predicted to cause nonsense-mediated decay (NMD) and loss of protein (premature termination codon is located at least 54 nucleotides upstream of the final exon-exon junction). (SP) 0251 - This variant is heterozygous. (I) 0301 - Variant is absent from gnomAD (both v2 and v3). (SP) 0701 - Other nonsense-mediated decay predicted variants comparable to the one identified in this case have very strong previous evidence for pathogenicity (Decipher). (SP) 0807 - This variant has no previous evidence of pathogenicity. (I) 0905 - No published segregation evidence has been identified for this variant. (I) 1007 - No published functional evidence has been identified for this variant. (I) 1208 - Inheritance information for this variant is not currently available in this individual. (I) Legend: (SP) - Supporting pathogenic, (I) - Information, (SB) - Supporting benign

Literature cited by the submitters: PubMed 31730271.

NM_001134673.4(NFIA):c.248del (p.Ile83fs)

Gene: NFIA (nuclear factor I A; plus strand). Cytogenetic location: 1p31.3.
Variant type: Deletion.
Coding change: c.248del on transcript NM_001134673.4 (MANE Select); coding-DNA position 248, one base deleted (T; older notation c.248delT).
Protein change: p.Ile83fs; shifts the reading frame from isoleucine 83.
Molecular consequence: frameshift variant.
Genome position (GRCh38, 1-based): chr1:61,088,369, T deleted. VCF-style (leftmost placement, unchanged base first): chr1-61088368-AT-A. GRCh37 (hg19) VCF-style: chr1-61554040-AT-A.
Other names: c.224del, p.Ile75fs (NM_001145511.2); c.383del, p.Ile128fs (NM_001145512.2); c.248del, p.Ile83fs (NM_005595.5); short protein forms I128fs, I75fs, I83fs.
Identifiers: ClinVar variation 1699181 (VCV001699181.4), dbSNP rs2100414350, ClinGen allele CA2573130390.